The following is an entry in ClinVar:

NM_000444.6(PHEX):c.1333G>C (p.Ala445Pro)

Gene: PHEX (phosphate regulating endopeptidase X-linked; plus strand). Cytogenetic location: Xp22.11.
Variant type: single nucleotide variant.
Coding change: c.1333G>C on transcript NM_000444.6 (MANE Select); coding-DNA position 1333, G replaced by C.
Protein change: p.Ala445Pro; replaces alanine 445 with proline.
Molecular consequence: missense variant.
Genome position (GRCh38, 1-based): chrX:22,133,553, G>C. VCF-style: chrX-22133553-G-C. GRCh37 (hg19) VCF-style: chrX-22151670-G-C.
Other names: c.1333G>C, p.Ala445Pro (NM_001282754.2); short protein forms A445P.
Identifiers: ClinVar variation 4711352 (VCV004711352.1).

ClinVar aggregate classification (germline): Likely pathogenic (1 of 4 stars; one submission).

Submission:

Labcorp Genetics (formerly Invitae), Labcorp
Classification: Likely pathogenic. Last evaluated: 2025-08-11. Review status: criteria provided, single submitter. Criteria: Invitae Variant Classification Sherloc (09022015). Collection method: clinical testing. Allele origin: germline.
Comment: This sequence change replaces alanine, which is neutral and non-polar, with proline, which is neutral and non-polar, at codon 445 of the PHEX protein (p.Ala445Pro). This variant is not present in population databases (gnomAD no frequency). This variant has not been reported in the literature in individuals affected with PHEX-related conditions. Invitae Evidence Modeling of protein sequence and biophysical properties (such as structural, functional, and spatial information, amino acid conservation, physicochemical variation, residue mobility, and thermodynamic stability) indicates that this missense variant is expected to disrupt PHEX protein function with a positive predictive value of 95%. This variant disrupts the p.Ala445 amino acid residue in PHEX. Other variant(s) that disrupt this residue have been determined to be pathogenic (internal data). This suggests that this residue is clinically significant, and that variants that disrupt this residue are likely to be disease-causing. In summary, the currently available evidence indicates that the variant is pathogenic, but additional data are needed to prove that conclusively. Therefore, this variant has been classified as Likely Pathogenic.